The following is an entry in ClinVar:

ClinVar aggregate classification (germline): Uncertain significance (1 of 4 stars; one submission).

Conditions:
Ullrich congenital muscular dystrophy 2 (UCMD2). Identifiers: Orphanet 75840, MedGen C4225314, MONDO:0014654, OMIM 616470.
Bethlem myopathy 2 (BTHLM2). Identifiers: Orphanet 536516, Orphanet 610, MedGen C4225313, MONDO:0034022, OMIM 616471.

Allele frequency attached by ClinVar (database versions not stated): gnomAD exomes below 0.00001.
gnomAD v4.1: 5 of 1,613,848 alleles (0.00031%); highest among the groups gnomAD compares: East Asian, 0.0022%; no homozygotes.

Submission:

Labcorp Genetics (formerly Invitae), Labcorp
Classification: Uncertain significance for Bethlem myopathy 2; Ullrich congenital muscular dystrophy 2. Last evaluated: 2024-06-10. Review status: criteria provided, single submitter. Criteria: Invitae Variant Classification Sherloc (09022015). Collection method: clinical testing. Allele origin: germline.
Comment: This sequence change creates a premature translational stop signal (p.Arg1054*) in the COL12A1 gene. Multiple COL12A1 isoforms have been reported, and the functional impact of this variant is uncertain (PMID: 8601036). The frequency data for this variant in the population databases is considered unreliable, as metrics indicate poor data quality at this position in the gnomAD database. This variant has not been reported in the literature in individuals affected with COL12A1-related conditions. ClinVar contains an entry for this variant (Variation ID: 1024544). In summary, the available evidence is currently insufficient to determine the role of this variant in disease. Therefore, it has been classified as a Variant of Uncertain Significance.

Literature cited by the submitters: PubMed 8601036.

NM_004370.6(COL12A1):c.3160C>T (p.Arg1054Ter)

Gene: COL12A1 (collagen type XII alpha 1 chain; minus strand). Cytogenetic location: 6q13.
Variant type: single nucleotide variant.
Coding change: c.3160C>T on transcript NM_004370.6 (MANE Select); coding-DNA position 3160, C replaced by T.
Protein change: p.Arg1054Ter; replaces arginine 1054 with a stop codon.
Molecular consequence: nonsense. On other transcripts: intron variant (1).
Genome position (GRCh38, 1-based): chr6:75,156,347, G>A on the plus strand (C>T on the coding strand, the complement: COL12A1 is on the minus strand). VCF-style: chr6-75156347-G-A. GRCh37 (hg19) VCF-style: chr6-75866063-G-A.
Other names: c.74-3865C>T (NM_080645.3); short protein forms R1054*.
Identifiers: ClinVar variation 1024544 (VCV001024544.11), dbSNP rs868543538, ClinGen allele CA141012022.